The following is an entry in ClinVar:

NM_033337.3(CAV3):c.-2C>A

Gene: CAV3 (caveolin 3; plus strand). Cytogenetic location: 3p25.3.
Variant type: single nucleotide variant.
Coding change: c.-2C>A on transcript NM_033337.3 (MANE Select); 2 bases upstream of the start codon, C replaced by A.
Molecular consequence: 5 prime UTR variant.
Genome position (GRCh38, 1-based): chr3:8,733,875, C>A. VCF-style: chr3-8733875-C-A. GRCh37 (hg19) VCF-style: chr3-8775561-C-A.
Other names: c.-2C>A (NM_001234.5).
Identifiers: ClinVar variation 809409 (VCV000809409.42), dbSNP rs772475990, ClinGen allele CA915941858.

ClinVar aggregate classification (germline): Likely benign (1 of 4 stars; one submission).

gnomAD v4.1: 3 of 1,592,588 alleles (0.00019%); highest among the groups gnomAD compares: Non-Finnish European, 0.00017%; no homozygotes.

Submission:

CeGaT Center for Human Genetics Tuebingen
Classification: Likely benign. Last evaluated: 2023-08-01. Review status: criteria provided, single submitter. Criteria: CeGaT Center For Human Genetics Tuebingen Variant Classification Criteria Version 2. Collection method: clinical testing. Allele origin: germline. Affected: yes. Observed: 4 variant alleles.
Comment: CAV3: PM2, BP4, BS2